The following is an entry in ClinVar:

NM_005085.4(NUP214):c.5082C>T (p.Ala1694=)

Gene: NUP214 (nucleoporin 214; plus strand). Cytogenetic location: 9q34.13.
Variant type: single nucleotide variant.
Coding change: c.5082C>T on transcript NM_005085.4 (MANE Select); coding-DNA position 5082, C replaced by T.
Protein change: p.Ala1694=; no amino-acid change (alanine 1694 retained).
Molecular consequence: synonymous variant.
Genome position (GRCh38, 1-based): chr9:131,198,576, C>T. VCF-style: chr9-131198576-C-T. GRCh37 (hg19) VCF-style: chr9-134073963-C-T.
Other names: c.5052C>T, p.Ala1684= (NM_001318324.2); c.1560C>T, p.Ala520= (NM_001318325.2).
Identifiers: ClinVar variation 3043323 (VCV003043323.2), dbSNP rs1451936039, ClinGen allele CA467500926.

ClinVar aggregate classification (germline): Likely benign (0 of 4 stars; one submission).

Conditions:
NUP214-related disorder. Also called: NUP214-related disorders; NUP214-related condition.

Allele frequency attached by ClinVar (database versions not stated): gnomAD 0.00001; gnomAD exomes 0.00001; TOPMed 0.00001.
gnomAD v4.1: 17 of 1,614,086 alleles (0.0011%); highest among the groups gnomAD compares: East Asian, 0.0022%; no homozygotes.

Submission:

PreventionGenetics, part of Exact Sciences
Classification: Likely benign for NUP214-related condition. Last evaluated: 2019-07-01. Review status: no assertion criteria provided. Collection method: clinical testing. Allele origin: germline.
Comment: This variant is classified as likely benign based on ACMG/AMP sequence variant interpretation guidelines (Richards et al. 2015 PMID: 25741868, with internal and published modifications).